The following is an entry in ClinVar:

ClinVar aggregate classification (germline): Uncertain significance. Review status: criteria provided, multiple submitters, no conflicts (2 of 4 stars). 2 submissions from 2 submitters: Uncertain significance (2). Last evaluated 2025-05-25.

Conditions:
Cardiovascular phenotype. Identifiers: MedGen CN230736.
Brugada syndrome. Also called: Sudden unexpected nocturnal death syndrome; Sudden Unexplained Death Syndrome; Sudden Unexplained Nocturnal Death Syndrome (SUNDS); Sudden unexplained nocturnal death syndrome. Identifiers: Orphanet 130, MedGen C1142166, MONDO:0015263.

Submissions (2):

Ambry Genetics
Classification: Uncertain significance for Cardiovascular phenotype. Last evaluated: 2025-05-25. Review status: criteria provided, single submitter. Criteria: Ambry Variant Classification Scheme 2023. Collection method: clinical testing. Allele origin: germline.
Comment: The c.1516-4_1516-3delCCinsAA intronic variant, located in intron 17 of the CACNA2D1 gene, results from an in-frame from the deletion of two nucleotides and the insertion of two nucleotides at nucleotide position 1516. This nucleotide positions are not well conserved in available vertebrate species. In silico splice site analysis predicts that this alteration will not have any significant effect on splicing. Based on the available evidence, the clinical significance of this variant remains unclear.

Labcorp Genetics (formerly Invitae), Labcorp
Classification: Uncertain significance for Brugada syndrome. Last evaluated: 2022-07-25. Review status: criteria provided, single submitter. Criteria: Invitae Variant Classification Sherloc (09022015). Collection method: clinical testing. Allele origin: germline.
Comment: Information on the frequency of this variant in the gnomAD database is not available, as this variant may be reported differently in the database. In summary, the available evidence is currently insufficient to determine the role of this variant in disease. Therefore, it has been classified as a Variant of Uncertain Significance. Variants that disrupt the consensus splice site are a relatively common cause of aberrant splicing (PMID: 17576681, 9536098). Experimental studies and prediction algorithms are not available or were not evaluated, and the effect of this variant on mRNA splicing is currently unknown. This variant has not been reported in the literature in individuals affected with CACNA2D1-related conditions. This sequence change falls in intron 17 of the CACNA2D1 gene. It does not directly change the encoded amino acid sequence of the CACNA2D1 protein. It affects a nucleotide within the consensus splice site.

Literature cited by the submitters: PubMed 17576681 (cited by Labcorp Genetics (formerly Invitae), Labcorp); PubMed 9536098 (cited by Labcorp Genetics (formerly Invitae), Labcorp).

NM_000722.4(CACNA2D1):c.1516-4_1516-3delinsAA

Gene: CACNA2D1 (calcium voltage-gated channel auxiliary subunit alpha2delta 1; minus strand). Cytogenetic location: 7q21.11.
Variant type: Indel.
Coding change: c.1516-4_1516-3delinsAA on transcript NM_000722.4 (MANE Select); 4 bases into the intron before coding-DNA position 1516 through 3 bases into the intron before coding-DNA position 1516, CC replaced by AA.
Molecular consequence: intron variant.
Genome position (GRCh38, 1-based): chr7:82,005,500-82,005,501, GG replaced by TT on the plus strand (CC replaced by AA on the coding strand, the reverse complement: CACNA2D1 is on the minus strand). VCF-style: chr7-82005500-GG-TT. GRCh37 (hg19) VCF-style: chr7-81634816-GG-TT.
Other names: c.1516-4_1516-3delCCinsAA (NM_000722.2); c.1516-4_1516-3delinsAA (NM_001366867.1).
Identifiers: ClinVar variation 2150133 (VCV002150133.5), dbSNP rs2485118339, ClinGen allele CA2580077390.